The following is an entry in ClinVar:

NM_000551.4(VHL):c.264_267dup (p.Asn90fs)

Gene: VHL (von Hippel-Lindau tumor suppressor; plus strand). Cytogenetic location: 3p25.3.
Variant type: Duplication.
Coding change: c.264_267dup on transcript NM_000551.4 (MANE Select); coding-DNA positions 264 to 267, 4 bases duplicated (GCTC; older notation c.264_267dupGCTC).
Protein change: p.Asn90fs; shifts the reading frame from asparagine 90.
Molecular consequence: frameshift variant.
Genome position (GRCh38, 1-based): chr3:10,142,111-10,142,114, GCTC duplicated. VCF-style (leftmost placement, unchanged base first): chr3-10142110-G-GGCTC. GRCh37 (hg19) VCF-style: chr3-10183794-G-GGCTC.
Other names: c.264_267dup, p.Asn90fs (NM_001354723.2, NM_198156.3); short protein forms N90fs.
Identifiers: ClinVar variation 949409 (VCV000949409.8), dbSNP rs1696134947, ClinGen allele CA1139655728.
Genomic context (GRCh38, chr3:10,142,110, plus strand): 5'-CGCGCGAGCCCTCCCAGGTCATCTTCTGCAATCGCAGTCCGCGCGTCGTGCTGCCCGTAT[G>GGCTC]GCTCAACTTCGACGGCGAGCCGCAGCCCTACCCAACGCTGCCGCCTGGCACGGGCCGCCG-3'

ClinVar aggregate classification (germline): Pathogenic (1 of 4 stars; one submission).

Conditions:
Von Hippel-Lindau syndrome (VHLS). Also called: von Hippel–Lindau syndrome; VHL syndrome; Von Hippel-Lindau. Identifiers: Orphanet 892, MedGen C0019562, MONDO:0008667, OMIM 193300. Disease mechanism: loss of function.
Chuvash polycythemia. Also called: POLYCYTHEMIA, VHL-DEPENDENT. Identifiers: Orphanet 238557, MedGen C1837915, MONDO:0009892, OMIM 263400.

Submission:

Labcorp Genetics (formerly Invitae), Labcorp
Classification: Pathogenic for Von Hippel-Lindau syndrome; Chuvash polycythemia. Last evaluated: 2019-06-26. Review status: criteria provided, single submitter. Criteria: Invitae Variant Classification Sherloc (09022015). Collection method: clinical testing. Allele origin: germline.
Comment: Loss-of-function variants in VHL are known to be pathogenic (PMID: 8956040, 12202531). This variant is not present in population databases (ExAC no frequency). This sequence change creates a premature translational stop signal (p.Asn90Alafs*43) in the VHL gene. It is expected to result in an absent or disrupted protein product. For these reasons, this variant has been classified as Pathogenic.

Literature cited by the submitters: PubMed 8956040; PubMed 12202531.